The following is an entry in ClinVar:

NM_015512.5(DNAH1):c.4571+3G>C

Gene: DNAH1 (dynein axonemal heavy chain 1; plus strand). Cytogenetic location: 3p21.1.
Variant type: single nucleotide variant.
Coding change: c.4571+3G>C on transcript NM_015512.5 (MANE Select); 3 bases into the intron after coding-DNA position 4571, G replaced by C.
Molecular consequence: intron variant.
Genome position (GRCh38, 1-based): chr3:52,360,082, G>C. VCF-style: chr3-52360082-G-C. GRCh37 (hg19) VCF-style: chr3-52394098-G-C.
Identifiers: ClinVar variation 1364481 (VCV001364481.6), dbSNP rs2153224314, ClinGen allele CA2573137287.

ClinVar aggregate classification (germline): Uncertain significance (1 of 4 stars; one submission).

Conditions:
Spermatogenic failure 18. Identifiers: MedGen C4539783, MONDO:0054615, OMIM 617576.
Ciliary dyskinesia, primary, 37 (CILD37). Also called: CILIARY DYSKINESIA, PRIMARY, 37, WITH OR WITHOUT SITUS INVERSUS. Identifiers: MedGen C4539798, MONDO:0033204, OMIM 617577.

Submission:

Labcorp Genetics (formerly Invitae), Labcorp
Classification: Uncertain significance for Ciliary dyskinesia, primary, 37; Spermatogenic failure 18. Last evaluated: 2021-06-28. Review status: criteria provided, single submitter. Criteria: Invitae Variant Classification Sherloc (09022015). Collection method: clinical testing. Allele origin: germline.
Comment: In summary, the available evidence is currently insufficient to determine the role of this variant in disease. Therefore, it has been classified as a Variant of Uncertain Significance. Nucleotide substitutions within the consensus splice site are a relatively common cause of aberrant splicing (PMID: 17576681, 9536098). Algorithms developed to predict the effect of sequence changes on RNA splicing suggest that this variant may disrupt the consensus splice site. This variant has not been reported in the literature in individuals affected with DNAH1-related conditions. This variant is not present in population databases (ExAC no frequency). This sequence change falls in intron 27 of the DNAH1 gene. It does not directly change the encoded amino acid sequence of the DNAH1 protein. It affects a nucleotide within the consensus splice site of the intron.

Literature cited by the submitters: PubMed 17576681; PubMed 9536098.